The following is an entry in ClinVar:

ClinVar aggregate classification (germline): Likely benign (0 of 4 stars; one submission).

Conditions:
ARHGEF28-related disorder. Also called: ARHGEF28-related condition.

Allele frequency attached by ClinVar (database versions not stated): TOPMed 0.00002; gnomAD 0.00003; gnomAD exomes 0.00005.
gnomAD v4.1: 83 of 1,598,136 alleles (0.0052%); highest among the groups gnomAD compares: Non-Finnish European, 0.0067%; no homozygotes.

Submission:

PreventionGenetics, part of Exact Sciences
Classification: Likely benign for ARHGEF28-related condition. Last evaluated: 2022-10-20. Review status: no assertion criteria provided. Collection method: clinical testing. Allele origin: germline.
Comment: This variant is classified as likely benign based on ACMG/AMP sequence variant interpretation guidelines (Richards et al. 2015 PMID: 25741868, with internal and published modifications).

NM_001177693.2(ARHGEF28):c.3441T>C (p.Ala1147=)

Gene: ARHGEF28 (Rho guanine nucleotide exchange factor 28; plus strand). Cytogenetic location: 5q13.2.
Variant type: single nucleotide variant.
Coding change: c.3441T>C on transcript NM_001177693.2 (MANE Select); coding-DNA position 3441, T replaced by C.
Protein change: p.Ala1147=; no amino-acid change (alanine 1147 retained).
Molecular consequence: synonymous variant.
Genome position (GRCh38, 1-based): chr5:73,892,105, T>C. VCF-style: chr5-73892105-T-C. GRCh37 (hg19) VCF-style: chr5-73187930-T-C.
Other names: c.3441T>C, p.Ala1147= (NM_001080479.3, NM_001388078.1); c.2502T>C, p.Ala834= (NM_001244364.2); c.3147T>C, p.Ala1049= (NM_001388076.1).
Identifiers: ClinVar variation 3039962 (VCV003039962.2), dbSNP rs1027725144, ClinGen allele CA120895452.